The following is an entry in ClinVar:

ClinVar aggregate classification (germline): Uncertain significance. Review status: criteria provided, multiple submitters, no conflicts (2 of 4 stars). 3 submissions from 3 submitters: Uncertain significance (3). Last evaluated 2025-05-06.

Conditions:
Hereditary cancer-predisposing syndrome. Also called: Tumor predisposition; Hereditary Cancer Syndrome; Neoplastic Syndromes, Hereditary; Hereditary neoplastic syndrome. Identifiers: Orphanet 140162, MedGen C0027672, MeSH D009386, MONDO:0015356.
Ataxia-telangiectasia syndrome (AT). Also called: Cerebello-oculocutaneous telangiectasia; Immunodeficiency with ataxia telangiectasia; Ataxia-telangiectasia, complementation group D; AT, COMPLEMENTATION GROUP C; Ataxia-telangiectasia, complementation group E; LOUIS-BAR SYNDROME. Identifiers: Orphanet 100, MedGen C0004135, MONDO:0008840, OMIM 208900.

Allele frequency attached by ClinVar (database versions not stated): gnomAD exomes below 0.00001; gnomAD 0.00001; 1000 Genomes Project 30x 0.00016; 1000 Genomes Project 0.00020.

Submissions (3):

Labcorp Genetics (formerly Invitae), Labcorp
Classification: Uncertain significance for Ataxia-telangiectasia syndrome. Last evaluated: 2025-05-06. Review status: criteria provided, single submitter. Criteria: Invitae Variant Classification Sherloc (09022015). Collection method: clinical testing. Allele origin: germline.
Comment: This sequence change replaces leucine, which is neutral and non-polar, with valine, which is neutral and non-polar, at codon 1851 of the ATM protein (p.Leu1851Val). This variant is not present in population databases (gnomAD no frequency). This variant has not been reported in the literature in individuals affected with ATM-related conditions. ClinVar contains an entry for this variant (Variation ID: 453585). Invitae Evidence Modeling of protein sequence and biophysical properties (such as structural, functional, and spatial information, amino acid conservation, physicochemical variation, residue mobility, and thermodynamic stability) indicates that this missense variant is not expected to disrupt ATM protein function with a negative predictive value of 95%. In summary, the available evidence is currently insufficient to determine the role of this variant in disease. Therefore, it has been classified as a Variant of Uncertain Significance.

Ambry Genetics
Classification: Uncertain significance for Hereditary cancer-predisposing syndrome. Last evaluated: 2024-12-16. Review status: criteria provided, single submitter. Criteria: Ambry Variant Classification Scheme 2023. Collection method: clinical testing. Allele origin: germline.
Comment: The p.L1851V variant (also known as c.5551C>G), located in coding exon 36 of the ATM gene, results from a C to G substitution at nucleotide position 5551. This amino acid position is well conserved in available vertebrate species. The leucine at codon 1851 is replaced by valine, an amino acid with highly similar properties. In addition, the in silico prediction for this alteration is inconclusive. Based on the available evidence, the clinical significance of this variant remains unclear.

Color Diagnostics, LLC DBA Color Health
Classification: Uncertain significance for Hereditary cancer-predisposing syndrome. Last evaluated: 2018-09-11. Review status: criteria provided, single submitter. Criteria: ACMG Guidelines, 2015. Collection method: clinical testing. Allele origin: germline.

NM_000051.4(ATM):c.5551C>G (p.Leu1851Val)

Gene: ATM (ATM serine/threonine kinase; plus strand). Cytogenetic location: 11q22.3.
Variant type: single nucleotide variant.
Coding change: c.5551C>G on transcript NM_000051.4 (MANE Select); coding-DNA position 5551, C replaced by G.
Protein change: p.Leu1851Val; replaces leucine 1851 with valine.
Molecular consequence: missense variant.
Genome position (GRCh38, 1-based): chr11:108,304,729, C>G. VCF-style: chr11-108304729-C-G. GRCh37 (hg19) VCF-style: chr11-108175456-C-G.
Other names: c.5551C>G, p.Leu1851Val (NM_001351834.2); short protein forms L1851V.
Identifiers: ClinVar variation 453585 (VCV000453585.12), dbSNP rs200842502, ClinGen allele CA6265728.